The following is an entry in ClinVar:

ClinVar aggregate classification (germline): Benign. Review status: criteria provided, multiple submitters, no conflicts (2 of 4 stars). 3 submissions from 3 submitters: Benign (2). 1 of the submissions does not count toward it. Last evaluated 2021-05-05.

Conditions:
TRIP12-related disorder. Also called: TRIP12-related condition.

Allele frequency attached by ClinVar (database versions not stated): 1000 Genomes Project 0.14716; 1000 Genomes Project 30x 0.15006; gnomAD 0.15275 and 0.15570; ESP Exome Variant Server 0.16162; TOPMed 0.16571.
gnomAD v4.1: 222,386 of 1,603,182 alleles (14%); highest among the groups gnomAD compares: Admixed American, 22%; 16,287 homozygotes.

Submissions (3):

GeneDx
Classification: Benign. Last evaluated: 2021-05-05. Review status: criteria provided, single submitter. Criteria: GeneDx Variant Classification Process June 2021. Collection method: clinical testing. Allele origin: germline. Affected: yes.

Breakthrough Genomics
Classification: Benign. Review status: criteria provided, single submitter. Criteria: ACMG Guidelines, 2015. Collection method: not provided. Allele origin: germline. Inheritance: Autosomal dominant inheritance. Affected: yes.

PreventionGenetics, part of Exact Sciences
Classification: Benign for TRIP12-related condition. Last evaluated: 2019-10-28. Review status: no assertion criteria provided. Collection method: clinical testing. Allele origin: germline. Not counted in ClinVar's aggregate classification.
Comment: This variant is classified as benign based on ACMG/AMP sequence variant interpretation guidelines (Richards et al. 2015 PMID: 25741868, with internal and published modifications).

NM_001348323.3(TRIP12):c.*2C>T

Gene: TRIP12 (thyroid hormone receptor interactor 12; minus strand). Cytogenetic location: 2q36.3.
Variant type: single nucleotide variant.
Coding change: c.*2C>T on transcript NM_001348323.3 (MANE Select); 2 bases downstream of the stop codon, C replaced by T.
Molecular consequence: 3 prime UTR variant.
Genome position (GRCh38, 1-based): chr2:229,767,552, G>A on the plus strand (C>T on the coding strand, the complement: TRIP12 is on the minus strand). VCF-style: chr2-229767552-G-A. GRCh37 (hg19) VCF-style: chr2-230632268-G-A.
Other names: c.*2C>T (NM_001284214.2, NM_001284215.2, NM_001284216.2 and 20 more transcripts).
Identifiers: ClinVar variation 1181222 (VCV001181222.5), dbSNP rs6687, ClinGen allele CA2152155.